The following is an entry in ClinVar:

NM_002470.4(MYH3):c.3287A>C (p.Glu1096Ala)

Gene: MYH3 (myosin heavy chain 3; minus strand). Cytogenetic location: 17p13.1.
Variant type: single nucleotide variant.
Coding change: c.3287A>C on transcript NM_002470.4 (MANE Select); coding-DNA position 3287, A replaced by C.
Protein change: p.Glu1096Ala; replaces glutamic acid 1096 with alanine.
Molecular consequence: missense variant.
Genome position (GRCh38, 1-based): chr17:10,638,925, T>G on the plus strand (A>C on the coding strand, the complement: MYH3 is on the minus strand). VCF-style: chr17-10638925-T-G. GRCh37 (hg19) VCF-style: chr17-10542242-T-G.
Other names: short protein forms E1096A.
Identifiers: ClinVar variation 2174086 (VCV002174086.4), dbSNP rs149626226, ClinGen allele CA287784311.

ClinVar aggregate classification (germline): Uncertain significance (1 of 4 stars; one submission).

Allele frequency attached by ClinVar (database versions not stated): gnomAD exomes below 0.00001; ESP Exome Variant Server 0.00008.
gnomAD v4.1: 1 of 1,614,214 alleles (0.000062%); highest among the groups gnomAD compares: Non-Finnish European, 0.000085%; no homozygotes.

Submission:

Labcorp Genetics (formerly Invitae), Labcorp
Classification: Uncertain significance. Last evaluated: 2025-09-07. Review status: criteria provided, single submitter. Criteria: Invitae Variant Classification Sherloc (09022015). Collection method: clinical testing. Allele origin: germline.
Comment: This sequence change replaces glutamic acid, which is acidic and polar, with alanine, which is neutral and non-polar, at codon 1096 of the MYH3 protein (p.Glu1096Ala). This variant is not present in population databases (gnomAD no frequency). This variant has not been reported in the literature in individuals affected with MYH3-related conditions. ClinVar contains an entry for this variant (Variation ID: 2174086). Invitae Evidence Modeling of protein sequence and biophysical properties (such as structural, functional, and spatial information, amino acid conservation, physicochemical variation, residue mobility, and thermodynamic stability) indicates that this missense variant is not expected to disrupt MYH3 protein function with a negative predictive value of 95%. In summary, the available evidence is currently insufficient to determine the role of this variant in disease. Therefore, it has been classified as a Variant of Uncertain Significance.